The following is an entry in ClinVar:

ClinVar aggregate classification (germline): Conflicting classifications of pathogenicity. Review status: criteria provided, conflicting classifications (1 of 4 stars). 4 submissions from 4 submitters: Uncertain significance (1); Likely benign (3). Last evaluated 2026-06-01.

Allele frequency attached by ClinVar (database versions not stated): 1000 Genomes Project 30x 0.00016; 1000 Genomes Project 0.00020; TOPMed 0.00035; gnomAD exomes 0.00036; ESP Exome Variant Server 0.00040; gnomAD 0.00040 and 0.00041.
gnomAD v4.1: 594 of 1,613,874 alleles (0.037%); highest among the groups gnomAD compares: Non-Finnish European, 0.034%; no homozygotes.

Submissions (4):

CeGaT Center for Human Genetics Tuebingen
Classification: Uncertain significance. Last evaluated: 2026-06-01. Review status: criteria provided, single submitter. Criteria: CeGaT Center For Human Genetics Tuebingen Variant Classification Criteria Version 2. Collection method: clinical testing. Allele origin: germline. Affected: yes. Observed: 2 variant alleles.
Comment: RUBCN: PM2, BP4

Mayo Clinic Laboratories, Mayo Clinic
Classification: Likely benign. Last evaluated: 2025-02-19. Review status: criteria provided, single submitter. Criteria: ACMG Guidelines, 2015. Collection method: clinical testing. Allele origin: germline. Observed: 1 variant allele.
Comment: BS1, BP4_moderate

Ambry Genetics
Classification: Likely benign. Last evaluated: 2022-12-27. Review status: criteria provided, single submitter. Criteria: Ambry Variant Classification Scheme 2023. Collection method: clinical testing. Allele origin: germline.

Labcorp Genetics (formerly Invitae), Labcorp
Classification: Likely benign. Last evaluated: 2018-12-13. Review status: criteria provided, single submitter. Criteria: Invitae Variant Classification Sherloc (09022015). Collection method: clinical testing. Allele origin: germline.

NM_014687.4(RUBCN):c.226C>T (p.Arg76Cys)

Gene: RUBCN (rubicon autophagy regulator; minus strand). Cytogenetic location: 3q29.
Variant type: single nucleotide variant.
Coding change: c.226C>T on transcript NM_014687.4 (MANE Select); coding-DNA position 226, C replaced by T.
Protein change: p.Arg76Cys; replaces arginine 76 with cysteine.
Molecular consequence: missense variant.
Genome position (GRCh38, 1-based): chr3:197,705,169, G>A on the plus strand (C>T on the coding strand, the complement: RUBCN is on the minus strand). VCF-style: chr3-197705169-G-A. GRCh37 (hg19) VCF-style: chr3-197432040-G-A.
Other names: p.Arg16Cys; c.46C>T, p.Arg16Cys (NM_001145642.5); c.226C>T, p.Arg76Cys (NM_001346873.2); c.46C>T (NM_001145642.2, NM_001145642.4); short protein forms R16C, R76C.
Identifiers: ClinVar variation 722481 (VCV000722481.47), dbSNP rs201775281, ClinGen allele CA2787287.